The following is an entry in ClinVar:

ClinVar aggregate classification (germline): Uncertain significance (1 of 4 stars; one submission).

gnomAD v4.1: 2 of 1,614,216 alleles (0.00012%); highest among the groups gnomAD compares: East Asian, 0.0022%; no homozygotes.

Submission:

GeneDx
Classification: Uncertain significance. Last evaluated: 2023-10-18. Review status: criteria provided, single submitter. Criteria: GeneDx Variant Classification Process June 2021. Collection method: clinical testing. Allele origin: germline. Affected: yes.
Comment: Not observed at significant frequency in large population cohorts (gnomAD); In silico analysis supports that this missense variant has a deleterious effect on protein structure/function; Has not been previously published as pathogenic or benign to our knowledge

NM_001375524.1(TRRAP):c.6629G>A (p.Cys2210Tyr)

Gene: TRRAP (transformation/transcription domain associated protein; plus strand). Cytogenetic location: 7q22.1.
Variant type: single nucleotide variant.
Coding change: c.6629G>A on transcript NM_001375524.1 (MANE Select); coding-DNA position 6629, G replaced by A.
Protein change: p.Cys2210Tyr; replaces cysteine 2210 with tyrosine.
Molecular consequence: missense variant.
Genome position (GRCh38, 1-based): chr7:98,961,400, G>A. VCF-style: chr7-98961400-G-A. GRCh37 (hg19) VCF-style: chr7-98559023-G-A.
Other names: c.6608G>A, p.Cys2203Tyr (NM_001244580.2); c.6554G>A, p.Cys2185Tyr (NM_003496.4); short protein forms C2185Y, C2203Y, C2210Y.
Identifiers: ClinVar variation 3366162 (VCV003366162.1).